The following is an entry in ClinVar:

ClinVar aggregate classification (germline): Pathogenic (1 of 4 stars; one submission).

Conditions:
Hereditary cancer-predisposing syndrome. Also called: Hereditary neoplastic syndrome; Neoplastic Syndromes, Hereditary; Tumor predisposition; Hereditary Cancer Syndrome. Identifiers: Orphanet 140162, MedGen C0027672, MeSH D009386, MONDO:0015356.

Submission:

Ambry Genetics
Classification: Pathogenic for Hereditary cancer-predisposing syndrome. Last evaluated: 2020-10-20. Review status: criteria provided, single submitter. Criteria: Ambry Variant Classification Scheme 2023. Collection method: clinical testing. Allele origin: germline.
Comment: The p.E2932* pathogenic mutation (also known as c.8794G>T), located in coding exon 60 of the ATM gene, results from a G to T substitution at nucleotide position 8794. This changes the amino acid from a glutamic acid to a stop codon within coding exon 60. This alteration is expected to result in loss of function by premature protein truncation or nonsense-mediated mRNA decay. As such, this alteration is interpreted as a disease-causing mutation.

NM_000051.4(ATM):c.8794G>T (p.Glu2932Ter)

Genes: ATM (ATM serine/threonine kinase; plus strand), C11orf65 (chromosome 11 open reading frame 65; minus strand). Cytogenetic location: 11q22.3.
Variant type: single nucleotide variant.
Coding change: c.8794G>T on transcript NM_000051.4 (MANE Select); coding-DNA position 8794, G replaced by T.
Protein change: p.Glu2932Ter; replaces glutamic acid 2932 with a stop codon.
Molecular consequence: nonsense. On other transcripts: intron variant (2).
Genome position (GRCh38, 1-based): chr11:108,354,818, G>T. VCF-style: chr11-108354818-G-T. GRCh37 (hg19) VCF-style: chr11-108225545-G-T.
Other names: c.8794G>T, p.Glu2932Ter (NM_001351834.2); c.640+31102C>A (NM_001330368.2); c.695-19526C>A (NM_001351110.2); short protein forms E2932*.
Identifiers: ClinVar variation 1764670 (VCV001764670.2), dbSNP rs1240328733, ClinGen allele CA382525575.
Genomic context (GRCh38, chr11:108,354,818, plus strand): 5'-TTGACAACATTGGTGTGTAACAAAATCCGTATTTATAATGTGTTTGACTCTAGATGCTGT[G>T]AGAAAACCATGGAAGTGATGAGAAACTCTCAGGAAACTCTGTTAACCATTGTAGAGGTAA-3'